The following is an entry in ClinVar:

ClinVar aggregate classification (germline): Uncertain significance (1 of 4 stars; one submission).

Submission:

Ambry Genetics
Classification: Uncertain significance. Last evaluated: 2023-11-10. Review status: criteria provided, single submitter. Criteria: Ambry Variant Classification Scheme 2023. Collection method: clinical testing. Allele origin: germline.
Comment: The p.A2565S variant (also known as c.7693G>T), located in coding exon 30 of the POLQ gene, results from a G to T substitution at nucleotide position 7693. The alanine at codon 2565 is replaced by serine, an amino acid with similar properties. This amino acid position is conserved. In addition, the in silico prediction for this alteration is inconclusive. Since supporting evidence is limited at this time, the clinical significance of this alteration remains unclear.

NM_199420.4(POLQ):c.7693G>T (p.Ala2565Ser)

Gene: POLQ (DNA polymerase theta; minus strand). Cytogenetic location: 3q13.33.
Variant type: single nucleotide variant.
Coding change: c.7693G>T on transcript NM_199420.4 (MANE Select); coding-DNA position 7693, G replaced by T.
Protein change: p.Ala2565Ser; replaces alanine 2565 with serine.
Molecular consequence: missense variant.
Genome position (GRCh38, 1-based): chr3:121,432,384, C>A on the plus strand (G>T on the coding strand, the complement: POLQ is on the minus strand). VCF-style: chr3-121432384-C-A. GRCh37 (hg19) VCF-style: chr3-121151231-C-A.
Other names: short protein forms A2565S.
Identifiers: ClinVar variation 3230171 (VCV003230171.1), dbSNP rs2546744378, ClinGen allele CA354092966.